The following is an entry in ClinVar:

NM_004168.4(SDHA):c.1204G>A (p.Val402Ile)

Gene: SDHA (succinate dehydrogenase complex flavoprotein subunit A; plus strand). Cytogenetic location: 5p15.33.
Variant type: single nucleotide variant.
Coding change: c.1204G>A on transcript NM_004168.4 (MANE Select); coding-DNA position 1204, G replaced by A.
Protein change: p.Val402Ile; replaces valine 402 with isoleucine.
Molecular consequence: missense variant.
Genome position (GRCh38, 1-based): chr5:235,283, G>A. VCF-style: chr5-235283-G-A. GRCh37 (hg19) VCF-style: chr5-235398-G-A.
Other names: c.1204G>A (NM_004168.2); c.1060G>A, p.Val354Ile (NM_001294332.2); c.1204G>A, p.Val402Ile (NM_001330758.2); short protein forms V354I, V402I.
Identifiers: ClinVar variation 2924235 (VCV002924235.4), dbSNP rs2126585344, ClinGen allele CA359013662.
Genomic context (GRCh38, chr5:235,283, plus strand): 5'-GGCATTTCAGAGACAGCCATGATCTTCGCTGGCGTGGACGTCACGAAGGAGCCGATCCCT[G>A]TCCTCCCCACCGTGCATTATAACATGGGCGGCATTCCCACCAACTACAAGGGGCAGGTGA-3'
Protein context (NP_004159.2, residues 392-412): GVDVTKEPIP[Val402Ile]LPTVHYNMGG

ClinVar aggregate classification (germline): Uncertain significance. Review status: criteria provided, multiple submitters, no conflicts (2 of 4 stars). 2 submissions from 2 submitters: Uncertain significance (2). Last evaluated 2025-07-04.

Conditions:
Hereditary cancer-predisposing syndrome. Also called: Neoplastic Syndromes, Hereditary; Tumor predisposition; Hereditary Cancer Syndrome; Hereditary neoplastic syndrome. Identifiers: Orphanet 140162, MedGen C0027672, MeSH D009386, MONDO:0015356.
Mitochondrial complex II deficiency, nuclear type 1. Also called: SUCCINATE CoQ REDUCTASE DEFICIENCY. Identifiers: Orphanet 3208, MedGen C5700310, MONDO:0100294, OMIM 252011.
Pheochromocytoma/paraganglioma syndrome 5. Also called: Paragangliomas 5; SDHA-Related Hereditary Paraganglioma-Pheochromocytoma Syndrome. Identifiers: Orphanet 29072, MedGen C3279992, MONDO:0013602, OMIM 614165.

Allele frequency attached by ClinVar (database versions not stated): gnomAD exomes below 0.00001.
gnomAD v4.1: 1 of 1,614,132 alleles (0.000062%); highest among the groups gnomAD compares: Non-Finnish European, 0.000085%; no homozygotes.

Submissions (2):

Ambry Genetics
Classification: Uncertain significance for Hereditary cancer-predisposing syndrome. Last evaluated: 2025-07-04. Review status: criteria provided, single submitter. Criteria: Ambry Variant Classification Scheme 2023. Collection method: clinical testing. Allele origin: germline.
Comment: The p.V402I variant (also known as c.1204G>A), located in coding exon 9 of the SDHA gene, results from a G to A substitution at nucleotide position 1204. The valine at codon 402 is replaced by isoleucine, an amino acid with highly similar properties. This amino acid position is conserved. In addition, this alteration is predicted to be tolerated by in silico analysis. Based on the available evidence, the clinical significance of this variant remains unclear.

Labcorp Genetics (formerly Invitae), Labcorp
Classification: Uncertain significance for Pheochromocytoma/paraganglioma syndrome 5; Mitochondrial complex II deficiency, nuclear type 1. Last evaluated: 2025-01-22. Review status: criteria provided, single submitter. Criteria: Invitae Variant Classification Sherloc (09022015). Collection method: clinical testing. Allele origin: germline.
Comment: This sequence change replaces valine, which is neutral and non-polar, with isoleucine, which is neutral and non-polar, at codon 402 of the SDHA protein (p.Val402Ile). This variant is not present in population databases (gnomAD no frequency). This variant has not been reported in the literature in individuals affected with SDHA-related conditions. ClinVar contains an entry for this variant (Variation ID: 2924235). Invitae Evidence Modeling of protein sequence and biophysical properties (such as structural, functional, and spatial information, amino acid conservation, physicochemical variation, residue mobility, and thermodynamic stability) indicates that this missense variant is not expected to disrupt SDHA protein function with a negative predictive value of 95%. In summary, the available evidence is currently insufficient to determine the role of this variant in disease. Therefore, it has been classified as a Variant of Uncertain Significance.